The following is an entry in ClinVar:

NM_001024630.4(RUNX2):c.231_254dup (p.Ala89_Val90insAlaAlaAlaAlaAlaAlaAlaAla)

Genes: RUNX2 (RUNX family transcription factor 2; plus strand), LOC109611589 (runt related transcription factor 2 polyalanine expansion region; plus strand). Cytogenetic location: 6p21.1.
Variant type: Duplication.
Coding change: c.231_254dup on transcript NM_001024630.4 (MANE Select); coding-DNA positions 231 to 254, 24 bases duplicated (TGCGGCGGCGGCGGCGGCTGCGGC).
Protein change: p.Ala89_Val90insAlaAlaAlaAlaAlaAlaAlaAla.
Molecular consequence: inframe insertion. On other transcripts: inframe indel (1).
Genome position (GRCh38, 1-based): chr6:45,422,765-45,422,788, TGCGGCGGCGGCGGCGGCTGCGGC duplicated; duplicating any 24 consecutive bases within chr6:45,422,760-45,422,788 gives the same sequence; the c. name uses the placement nearest the transcript's 3' end. VCF-style (leftmost placement, unchanged base first): chr6-45422759-G-GGCGGCTGCGGCGGCGGCGGCGGCT. GRCh37 (hg19) VCF-style: chr6-45390496-G-GGCGGCTGCGGCGGCGGCGGCGGCT.
Other names: c.231_254dup, p.Ala89_Val90insAlaAlaAlaAlaAlaAlaAlaAla (NM_001015051.4); c.189_212dup, p.Ala75_Val76insAlaAlaAlaAlaAlaAlaAlaAla (NM_001278478.2, NM_001369405.1, NM_004348.3).
Identifiers: ClinVar variation 3000008 (VCV003000008.3), dbSNP rs751554347, ClinGen allele CA1625431504.

ClinVar aggregate classification (germline): Uncertain significance (1 of 4 stars; one submission).

Submission:

Labcorp Genetics (formerly Invitae), Labcorp
Classification: Uncertain significance. Last evaluated: 2025-11-02. Review status: criteria provided, single submitter. Criteria: Invitae Variant Classification Sherloc (09022015). Collection method: clinical testing. Allele origin: germline.
Comment: This variant, c.231_254dup, results in the insertion of 8 amino acid(s) of the RUNX2 protein (p.Ala82_Ala89dup), but otherwise preserves the integrity of the reading frame. This variant is not present in population databases (gnomAD no frequency). This variant has not been reported in the literature in individuals affected with RUNX2-related conditions. ClinVar contains an entry for this variant (Variation ID: 3000008). In summary, the available evidence is currently insufficient to determine the role of this variant in disease. Therefore, it has been classified as a Variant of Uncertain Significance.